The following is an entry in ClinVar:

NC_000023.10:g.(?_24483573)_(24557281_?)del

Gene: PDK3 (pyruvate dehydrogenase kinase 3; plus strand). Cytogenetic location: Xp22.11.
Variant type: Deletion.
Identifiers: ClinVar variation 1373654 (VCV001373654.4).

ClinVar aggregate classification (germline): Uncertain significance (1 of 4 stars; one submission).

Conditions:
Charcot-Marie-Tooth disease X-linked dominant 6. Also called: CHARCOT-MARIE-TOOTH NEUROPATHY, X-LINKED DOMINANT, 6. Identifiers: Orphanet 352675, MedGen C3806702, MONDO:0010479, OMIM 300905.

Submission:

Labcorp Genetics (formerly Invitae), Labcorp
Classification: Uncertain significance for Charcot-Marie-Tooth disease X-linked dominant 6. Last evaluated: 2024-01-17. Review status: criteria provided, single submitter. Criteria: Invitae Variant Classification Sherloc (09022015). Collection method: clinical testing. Allele origin: germline.
Comment: A gross deletion of the genomic region encompassing the full coding sequence of the PDK3 gene has been identified. The current clinical and genetic evidence is not sufficient to establish whether loss-of-function variants in PDK3 cause disease. The boundaries of this event are unknown as they extend beyond the assayed region for this gene and therefore may encompass additional genes. This variant has not been reported in the literature in individuals affected with PDK3-related conditions. In summary, the available evidence is currently insufficient to determine the role of this variant in disease. Therefore, it has been classified as a Variant of Uncertain Significance.